The following is an entry in ClinVar:

NM_001970.5(EIF5A):c.136dup (p.Ser46fs)

Gene: EIF5A (eukaryotic translation initiation factor 5A; plus strand). Cytogenetic location: 17p13.1.
Variant type: Duplication.
Coding change: c.136dup on transcript NM_001970.5 (MANE Select); coding-DNA position 136, one base duplicated (T; older notation c.136dupT).
Protein change: p.Ser46fs; shifts the reading frame from serine 46.
Molecular consequence: frameshift variant.
Genome position (GRCh38, 1-based): chr17:7,309,771, T duplicated; the last of 2 consecutive T bases (chr17:7,309,770-7,309,771); duplicating either gives the same sequence. VCF-style (leftmost placement, unchanged base first): chr17-7309769-C-CT. GRCh37 (hg19) VCF-style: chr17-7213088-C-CT.
Other names: c.226dupT (NM_001143760.1); c.226dup, p.Ser76fs (NM_001143760.1); c.136dup, p.Ser46fs (NM_001143761.1, NM_001143762.2, NM_001370420.1 and 1 more transcripts); short protein forms S46fs, S76fs.
Identifiers: ClinVar variation 4247995 (VCV004247995.1).

ClinVar aggregate classification (germline): Pathogenic (1 of 4 stars; one submission).

Submission:

Ambry Genetics
Classification: Pathogenic. Last evaluated: 2025-07-22. Review status: criteria provided, single submitter. Criteria: Ambry Variant Classification Scheme 2023. Collection method: clinical testing. Allele origin: germline.
Comment: The c.226dupT (p.S76Ffs*17) alteration, located in exon 2 (coding exon 2) of the EIF5A gene, consists of a duplication of T at position 226, causing a translational frameshift with a predicted alternate stop codon after 17 amino acids. This alteration is expected to result in loss of function by premature protein truncation or nonsense-mediated mRNA decay. This variant was not reported in population-based cohorts in the Genome Aggregation Database (gnomAD). Based on the available evidence, this alteration is classified as pathogenic.